The following is an entry in ClinVar:

NM_001042545.2(LTBP4):c.364C>T (p.Pro122Ser)

Gene: LTBP4 (latent transforming growth factor beta binding protein 4; plus strand). Cytogenetic location: 19q13.2.
Variant type: single nucleotide variant.
Coding change: c.364C>T on transcript NM_001042545.2 (MANE Select); coding-DNA position 364, C replaced by T.
Protein change: p.Pro122Ser; replaces proline 122 with serine.
Molecular consequence: missense variant.
Genome position (GRCh38, 1-based): chr19:40,605,148, C>T. VCF-style: chr19-40605148-C-T. GRCh37 (hg19) VCF-style: chr19-41111054-C-T.
Other names: c.565C>T, p.Pro189Ser (NM_001042544.1); c.454C>T, p.Pro152Ser (NM_003573.2); short protein forms P152S, P122S, P189S.
Identifiers: ClinVar variation 1966855 (VCV001966855.5), dbSNP rs749092966, ClinGen allele CA9448013.

ClinVar aggregate classification (germline): Uncertain significance (1 of 4 stars; one submission).

Submission:

Labcorp Genetics (formerly Invitae), Labcorp
Classification: Uncertain significance. Last evaluated: 2021-12-29. Review status: criteria provided, single submitter. Criteria: Invitae Variant Classification Sherloc (09022015). Collection method: clinical testing. Allele origin: germline.
Comment: This sequence change replaces proline, which is neutral and non-polar, with serine, which is neutral and polar, at codon 152 of the LTBP4 protein (p.Pro152Ser). The frequency data for this variant in the population databases is considered unreliable, as metrics indicate poor data quality at this position in the gnomAD database. This variant has not been reported in the literature in individuals affected with LTBP4-related conditions. Experimental studies and prediction algorithms are not available or were not evaluated, and the functional significance of this variant is currently unknown. In summary, the available evidence is currently insufficient to determine the role of this variant in disease. Therefore, it has been classified as a Variant of Uncertain Significance.